The following is an entry in ClinVar:

NM_001080466.2(BTBD17):c.630C>T (p.Pro210=)

Gene: BTBD17 (BTB domain containing 17; minus strand). Cytogenetic location: 17q25.1.
Variant type: single nucleotide variant.
Coding change: c.630C>T on transcript NM_001080466.2 (MANE Select); coding-DNA position 630, C replaced by T.
Protein change: p.Pro210=; no amino-acid change (proline 210 retained).
Molecular consequence: synonymous variant.
Genome position (GRCh38, 1-based): chr17:74,357,464, G>A on the plus strand (C>T on the coding strand, the complement: BTBD17 is on the minus strand). VCF-style: chr17-74357464-G-A. GRCh37 (hg19) VCF-style: chr17-72353603-G-A.
Identifiers: ClinVar variation 3250687 (VCV003250687.18), dbSNP rs922141420.

ClinVar aggregate classification (germline): Likely benign (1 of 4 stars; one submission).

Allele frequency attached by ClinVar (database versions not stated): TOPMed 0.00005; gnomAD 0.00007.
gnomAD v4.1: 204 of 1,577,274 alleles (0.013%); highest among the groups gnomAD compares: Non-Finnish European, 0.017%; no homozygotes.

Submission:

CeGaT Center for Human Genetics Tuebingen
Classification: Likely benign. Last evaluated: 2026-08-01. Review status: criteria provided, single submitter. Criteria: CeGaT Center For Human Genetics Tuebingen Variant Classification Criteria Version 2. Collection method: clinical testing. Allele origin: germline. Affected: yes. Observed: 5 variant alleles.
Comment: BTBD17: BP4, BP7